The following is an entry in ClinVar:

ClinVar aggregate classification (germline): Uncertain significance. Review status: criteria provided, multiple submitters, no conflicts (2 of 4 stars). 2 submissions from 2 submitters: Uncertain significance (2). Last evaluated 2022-10-05.

Conditions:
Inborn genetic diseases. Identifiers: MedGen C0950123, MeSH D030342.

Submissions (2):

GeneDx
Classification: Uncertain significance. Last evaluated: 2022-10-05. Review status: criteria provided, single submitter. Criteria: GeneDx Variant Classification Process June 2021. Collection method: clinical testing. Allele origin: germline. Affected: yes.
Comment: Not observed at significant frequency in large population cohorts (gnomAD); In silico analysis supports that this missense variant does not alter protein structure/function; Has not been previously published as pathogenic or benign to our knowledge; This variant is associated with the following publications: (PMID: 26100331, 25609763, 25512093)

Ambry Genetics
Classification: Uncertain significance for Inborn genetic diseases. Last evaluated: 2017-02-08. Review status: criteria provided, single submitter. Criteria: Ambry Variant Classification Scheme 2023. Collection method: clinical testing. Allele origin: germline.
Comment: The p.A4432T variant (also known as c.13294G>A), located in coding exon 74 of the DYNC1H1 gene, results from a G to A substitution at nucleotide position 13294. The alanine at codon 4432 is replaced by threonine, an amino acid with similar properties. This amino acid position is not well conserved in available vertebrate species. In addition, this alteration is predicted to be tolerated by in silico analysis. Since supporting evidence is limited at this time, the clinical significance of this variant remains unclear.

NM_001376.5(DYNC1H1):c.13294G>A (p.Ala4432Thr)

Gene: DYNC1H1 (dynein cytoplasmic 1 heavy chain 1; plus strand). Cytogenetic location: 14q32.31.
Variant type: single nucleotide variant.
Coding change: c.13294G>A on transcript NM_001376.5 (MANE Select); coding-DNA position 13294, G replaced by A.
Protein change: p.Ala4432Thr; replaces alanine 4432 with threonine.
Molecular consequence: missense variant.
Genome position (GRCh38, 1-based): chr14:102,048,591, G>A. VCF-style: chr14-102048591-G-A. GRCh37 (hg19) VCF-style: chr14-102514928-G-A.
Other names: short protein forms A4432T.
Identifiers: ClinVar variation 590065 (VCV000590065.6), dbSNP rs1567025587, ClinGen allele CA391048158.